The following is an entry in ClinVar:

NM_005859.5(PURA):c.433dup (p.Ser145fs)

Genes: PURA (purine rich element binding protein A; plus strand), LOC129994826 (ATAC-STARR-seq lymphoblastoid active region 23260; plus strand). Cytogenetic location: 5q31.3.
Variant type: Duplication.
Coding change: c.433dup on transcript NM_005859.5 (MANE Select); coding-DNA position 433, one base duplicated (A; older notation c.433dupA).
Protein change: p.Ser145fs; shifts the reading frame from serine 145.
Molecular consequence: frameshift variant.
Genome position (GRCh38, 1-based): chr5:140,114,614, A duplicated; the last of 4 consecutive A bases (chr5:140,114,611-140,114,614); duplicating any one gives the same sequence. VCF-style (leftmost placement, unchanged base first): chr5-140114610-C-CA. GRCh37 (hg19) VCF-style: chr5-139494195-C-CA.
Other names: short protein forms S145fs.
Identifiers: ClinVar variation 2840996 (VCV002840996.3), dbSNP rs868138895, ClinGen allele CA2739275108.
Genomic context (GRCh38, chr5:140,114,610, plus strand): 5'-GCTGGGCCCCAGCCAGCCGCCGGACCTGGCCCAGGCGCAGGACGAGCCGCGCCGGGCGCT[C>CA]AAAAGCGAGTTCCTGGTGCGCGAGAACCGCAAGTACTACATGGATCTCAAGGAGAACCAG-3'

ClinVar aggregate classification (germline): Pathogenic (1 of 4 stars; one submission).

Conditions:
PURA-related severe neonatal hypotonia-seizures-encephalopathy syndrome (NEDRIHF). Also called: NEURODEVELOPMENTAL DISORDER WITH NEONATAL RESPIRATORY INSUFFICIENCY, HYPOTONIA, AND FEEDING DIFFICULTIES; PURA-Related Neurodevelopmental Disorders. Identifiers: Orphanet 438213, Orphanet 438216, MedGen C4015357, MONDO:1060108, OMIM 616158, MONDO:0018580.

Submission:

Labcorp Genetics (formerly Invitae), Labcorp
Classification: Pathogenic for PURA-related severe neonatal hypotonia-seizures-encephalopathy syndrome. Last evaluated: 2023-02-26. Review status: criteria provided, single submitter. Criteria: Invitae Variant Classification Sherloc (09022015). Collection method: clinical testing. Allele origin: germline.
Comment: For these reasons, this variant has been classified as Pathogenic. This variant disrupts a region of the PURA protein in which other variant(s) (p.Thr310Asnfs*7) have been determined to be pathogenic (Invitae). This suggests that this is a clinically significant region of the protein, and that variants that disrupt it are likely to be disease-causing. This variant has not been reported in the literature in individuals affected with PURA-related conditions. This variant is not present in population databases (gnomAD no frequency). This sequence change creates a premature translational stop signal (p.Ser145Lysfs*56) in the PURA gene. While this is not anticipated to result in nonsense mediated decay, it is expected to disrupt the last 178 amino acid(s) of the PURA protein.